The following is an entry in ClinVar:

ClinVar aggregate classification (germline): Likely benign. Review status: criteria provided, single submitter (1 of 4 stars). 2 submissions from 2 submitters: Likely benign (1). 1 of the submissions does not count toward it. Last evaluated 2026-01-05.

Conditions:
SH3BP2-related disorder. Also called: SH3BP2-related condition.
Fibrous dysplasia of jaw (CRBM). Also called: Cherubism. Identifiers: Orphanet 184, MedGen C0008029, MONDO:0007315, OMIM 118400.

Allele frequency attached by ClinVar (database versions not stated): gnomAD 0.00004 and 0.00005; ExAC 0.00012; gnomAD exomes 0.00014 and 0.00029; TOPMed 0.00020.

Submissions (2):

Labcorp Genetics (formerly Invitae), Labcorp
Classification: Likely benign for Fibrous dysplasia of jaw. Last evaluated: 2026-01-05. Review status: criteria provided, single submitter. Criteria: Invitae Variant Classification Sherloc (09022015). Collection method: clinical testing. Allele origin: germline.

PreventionGenetics, part of Exact Sciences
Classification: Likely benign for SH3BP2-related condition. Last evaluated: 2022-04-01. Review status: no assertion criteria provided. Collection method: clinical testing. Allele origin: germline. Not counted in ClinVar's aggregate classification.
Comment: This variant is classified as likely benign based on ACMG/AMP sequence variant interpretation guidelines (Richards et al. 2015 PMID: 25741868, with internal and published modifications).

NM_001122681.2(SH3BP2):c.491T>G (p.Leu164Arg)

Gene: SH3BP2 (SH3 domain binding protein 2; plus strand). Cytogenetic location: 4p16.3.
Variant type: single nucleotide variant.
Coding change: c.491T>G on transcript NM_001122681.2 (MANE Select); coding-DNA position 491, T replaced by G.
Protein change: p.Leu164Arg; replaces leucine 164 with arginine.
Molecular consequence: missense variant.
Genome position (GRCh38, 1-based): chr4:2,827,292, T>G. VCF-style: chr4-2827292-T-G. GRCh37 (hg19) VCF-style: chr4-2829019-T-G.
Other names: c.575T>G, p.Leu192Arg (NM_001145855.2); c.662T>G, p.Leu221Arg (NM_001145856.2); c.491T>G, p.Leu164Arg (NM_003023.4); short protein forms L164R, L192R, L221R.
Identifiers: ClinVar variation 733115 (VCV000733115.12), dbSNP rs774240293, ClinGen allele CA2819191.